The following is an entry in ClinVar:

ClinVar aggregate classification (germline): Uncertain significance. Review status: criteria provided, single submitter (1 of 4 stars). 2 submissions from 2 submitters: Uncertain significance (1). 1 of the submissions does not count toward it. Last evaluated 2024-09-24.

Conditions:
Severe intellectual disability-poor language-strabismus-grimacing face-long fingers syndrome (GAND). Also called: GAND SYNDROME. Identifiers: Orphanet 363686, MedGen C3554448, MONDO:0014034, OMIM 615074.

Allele frequency attached by ClinVar (database versions not stated): gnomAD exomes below 0.00001.
gnomAD v4.1: 7 of 1,613,944 alleles (0.00043%); highest among the groups gnomAD compares: Non-Finnish European, 0.00042%; no homozygotes.

Submissions (2):

Labcorp Genetics (formerly Invitae), Labcorp
Classification: Uncertain significance. Last evaluated: 2024-09-24. Review status: criteria provided, single submitter. Criteria: Invitae Variant Classification Sherloc (09022015). Collection method: clinical testing. Allele origin: germline.
Comment: This sequence change replaces asparagine, which is neutral and polar, with serine, which is neutral and polar, at codon 385 of the GATAD2B protein (p.Asn385Ser). This variant is present in population databases (no rsID available, gnomAD 0.0009%). This variant has not been reported in the literature in individuals affected with GATAD2B-related conditions. ClinVar contains an entry for this variant (Variation ID: 375617). Invitae Evidence Modeling of protein sequence and biophysical properties (such as structural, functional, and spatial information, amino acid conservation, physicochemical variation, residue mobility, and thermodynamic stability) indicates that this missense variant is not expected to disrupt GATAD2B protein function with a negative predictive value of 80%. In summary, the available evidence is currently insufficient to determine the role of this variant in disease. Therefore, it has been classified as a Variant of Uncertain Significance.

Centre de Biologie Pathologie Génétique, Centre Hospitalier Universitaire de Lille
Classification: Likely benign for Severe intellectual disability-poor language-strabismus-grimacing face-long fingers syndrome. Review status: no assertion criteria provided. Collection method: clinical testing. Allele origin: paternal. Inheritance: Sporadic. Affected: no. Observed: 1 variant allele, 1 heterozygote. Not counted in ClinVar's aggregate classification.

NM_020699.4(GATAD2B):c.1154A>G (p.Asn385Ser)

Gene: GATAD2B (GATA zinc finger domain containing 2B; minus strand). Cytogenetic location: 1q21.3.
Variant type: single nucleotide variant.
Coding change: c.1154A>G on transcript NM_020699.4 (MANE Select); coding-DNA position 1154, A replaced by G.
Protein change: p.Asn385Ser; replaces asparagine 385 with serine.
Molecular consequence: missense variant.
Genome position (GRCh38, 1-based): chr1:153,816,335, T>C on the plus strand (A>G on the coding strand, the complement: GATAD2B is on the minus strand). VCF-style: chr1-153816335-T-C. GRCh37 (hg19) VCF-style: chr1-153788811-T-C.
Other names: short protein forms N385S.
Identifiers: ClinVar variation 375617 (VCV000375617.6), dbSNP rs1057519401, ClinGen allele CA16044385.